The following is an entry in ClinVar:

NC_000012.11:g.(?_5020545)_(5155155_?)dup

Genes: KCNA1 (potassium voltage-gated channel subfamily A member 1; plus strand), KCNA5 (potassium voltage-gated channel subfamily A member 5; plus strand). Cytogenetic location: 12p13.32.
Variant type: Duplication.
Identifiers: ClinVar variation 2424379 (VCV002424379.3).

ClinVar aggregate classification (germline): Uncertain significance (1 of 4 stars; one submission).

Conditions:
Atrial fibrillation, familial, 7 (ATFB7). Identifiers: MedGen C2677106, MONDO:0012828, OMIM 612240.

Submission:

Labcorp Genetics (formerly Invitae), Labcorp
Classification: Uncertain significance for Atrial fibrillation, familial, 7. Last evaluated: 2022-05-08. Review status: criteria provided, single submitter. Criteria: Invitae Variant Classification Sherloc (09022015). Collection method: clinical testing. Allele origin: germline.
Comment: A copy number gain of the genomic region encompassing the full coding sequence of the KCNA5 gene has been identified. The boundaries of this event are unknown as they extend beyond the assayed region for this gene and therefore may encompass additional genes. As the precise location of this event is unknown, it may be in tandem or it may be located elsewhere in the genome. This variant has not been reported in the literature in individuals affected with KCNA5-related conditions. In summary, the available evidence is currently insufficient to determine the role of this variant in disease. Therefore, it has been classified as a Variant of Uncertain Significance.